The following is an entry in ClinVar:

NM_012433.4(SF3B1):c.1247C>A (p.Pro416His)

Gene: SF3B1 (splicing factor 3b subunit 1; minus strand). Cytogenetic location: 2q33.1.
Variant type: single nucleotide variant.
Coding change: c.1247C>A on transcript NM_012433.4 (MANE Select); coding-DNA position 1247, C replaced by A.
Protein change: p.Pro416His; replaces proline 416 with histidine.
Molecular consequence: missense variant.
Genome position (GRCh38, 1-based): chr2:197,405,465, G>T on the plus strand (C>A on the coding strand, the complement: SF3B1 is on the minus strand). VCF-style: chr2-197405465-G-T. GRCh37 (hg19) VCF-style: chr2-198270189-G-T.
Other names: short protein forms P416H.
Identifiers: ClinVar variation 5018119 (VCV005018119.1).
Genomic context (GRCh38, chr2:197,405,465, plus strand): 5'-GTTGGAGTAGCTGTCAGCTTTCGAGCTGGAGTTCGAATAGGAACATAACCAGCTGGAGGA[G>T]GAAGTACCTAATAAAAGTTATAAGACAGTTTAGGATTTTCTTAACTTAAAAAACAGCATA-3'
Protein context (NP_036565.2, residues 406-426): AMFPEGYKVL[Pro416His]PPAGYVPIRT

ClinVar aggregate classification (germline): Uncertain significance (1 of 4 stars; one submission).

Submission:

GeneDx
Classification: Uncertain significance. Last evaluated: 2026-04-06. Review status: criteria provided, single submitter. Criteria: GeneDx Variant Classification Process June 2021. Collection method: clinical testing. Allele origin: germline.
Comment: Not observed at significant frequency in large population cohorts (gnomAD); In silico analysis suggests that this missense variant does not alter protein structure/function; Has not been previously published as pathogenic or benign to our knowledge